The following is an entry in ClinVar:

NM_000384.3(APOB):c.12460G>T (p.Glu4154Ter)

Gene: APOB (apolipoprotein B; minus strand). Cytogenetic location: 2p24.1.
Variant type: single nucleotide variant.
Coding change: c.12460G>T on transcript NM_000384.3 (MANE Select); coding-DNA position 12460, G replaced by T.
Protein change: p.Glu4154Ter; replaces glutamic acid 4154 with a stop codon.
Molecular consequence: nonsense.
Genome position (GRCh38, 1-based): chr2:21,002,962, C>A on the plus strand (G>T on the coding strand, the complement: APOB is on the minus strand). VCF-style: chr2-21002962-C-A. GRCh37 (hg19) VCF-style: chr2-21225834-C-A.
Other names: short protein forms E4154*.
Identifiers: ClinVar variation 3032553 (VCV003032553.4), dbSNP rs767587977, ClinGen allele CA050319.
Genomic context (GRCh38, chr2:21,002,962, plus strand): 5'-CATCAAACACGTTATCCTTGAGTCCCTGGAAACTGGCTTGGCCTTCCTGAGTCAACAGTT[C>A]CTGGTACAGATTCTGGGCCTTGTCCTTCCACTCTTGGTAGGTCCCAGTGGTGCCACTGGC-3'

ClinVar aggregate classification (germline): Uncertain significance. Review status: criteria provided, single submitter (1 of 4 stars). 2 submissions from 2 submitters: Uncertain significance (1). 1 of the submissions does not count toward it. Last evaluated 2024-03-20.

Conditions:
Hypercholesterolemia, autosomal dominant, type B (FHCL2). Also called: APOB-Related Familial Hypercholesterolemia, Autosomal Dominant; Familial Hypercholesterolemia Type B; APOLIPOPROTEIN B-100, FAMILIAL DEFECTIVE; APOLIPOPROTEIN B-100, FAMILIAL LIGAND-DEFECTIVE; HYPERCHOLESTEROLEMIA, FAMILIAL, DUE TO LIGAND-DEFECTIVE APOLIPOPROTEIN B; Hyperlipoproteinemia Type IIb. Identifiers: MedGen C1704417, MONDO:0007751, OMIM 144010.
Familial hypobetalipoproteinemia 1. Also called: Acanthocytosis with hypobetalipoproteinemia; APOB-Related Familial Hypobetalipoproteinemia; Hypobetalipoproteinemia, normotriglyceridemic. Identifiers: MedGen C4551990, MONDO:0014252, OMIM 615558.
APOB-related disorder. Also called: APOB-related disorders; APOB-related condition.

Allele frequency attached by ClinVar (database versions not stated): gnomAD exomes below 0.00001; ExAC 0.00001.
gnomAD v4.1: 3 of 1,606,744 alleles (0.00019%); highest among the groups gnomAD compares: African/African-American, 0.0013%; no homozygotes.

Submissions (2):

Labcorp Genetics (formerly Invitae), Labcorp
Classification: Uncertain significance for Familial hypobetalipoproteinemia 1; Hypercholesterolemia, autosomal dominant, type B. Last evaluated: 2024-03-20. Review status: criteria provided, single submitter. Criteria: Invitae Variant Classification Sherloc (09022015). Collection method: clinical testing. Allele origin: germline.
Comment: This sequence change creates a premature translational stop signal (p.Glu4154*) in the APOB gene. While this is not anticipated to result in nonsense mediated decay, it is expected to disrupt the last 410 amino acid(s) of the APOB protein. The frequency data for this variant in the population databases is considered unreliable, as metrics indicate poor data quality at this position in the gnomAD database. This variant has not been reported in the literature in individuals affected with APOB-related conditions. This variant disrupts a region of the APOB protein in which other variant(s) (p.Tyr4380*) have been observed in individuals with APOB-related conditions (Invitae). This suggests that this is a clinically significant region of the protein, and that variants that disrupt it are likely to be disease-causing. In summary, the available evidence is currently insufficient to determine the role of this variant in disease. Therefore, it has been classified as a Variant of Uncertain Significance.

PreventionGenetics, part of Exact Sciences
Classification: Likely pathogenic for APOB-related condition. Last evaluated: 2023-12-21. Review status: no assertion criteria provided. Collection method: clinical testing. Allele origin: germline. Not counted in ClinVar's aggregate classification.
Comment: The APOB c.12460G>T variant is predicted to result in premature protein termination (p.Glu4154*). To our knowledge, this variant has not been reported in the literature. This variant is reported in 0.0062% of alleles in individuals of African descent in gnomAD. Nonsense variants in APOB are expected to be pathogenic. This variant is interpreted as likely pathogenic.